The following is an entry in ClinVar:

NM_182746.3(MCM4):c.2122C>T (p.Gln708Ter)

Gene: MCM4 (minichromosome maintenance complex component 4; plus strand). Cytogenetic location: 8q11.21.
Variant type: single nucleotide variant.
Coding change: c.2122C>T on transcript NM_182746.3 (MANE Select); coding-DNA position 2122, C replaced by T.
Protein change: p.Gln708Ter; replaces glutamine 708 with a stop codon.
Molecular consequence: nonsense.
Genome position (GRCh38, 1-based): chr8:47,973,050, C>T. VCF-style: chr8-47973050-C-T. GRCh37 (hg19) VCF-style: chr8-48885610-C-T.
Other names: c.2122C>T, p.Gln708Ter (NM_005914.4); short protein forms Q708*.
Identifiers: ClinVar variation 1430882 (VCV001430882.6), dbSNP rs756593226, ClinGen allele CA4742807.

ClinVar aggregate classification (germline): Uncertain significance (1 of 4 stars; one submission).

Allele frequency attached by ClinVar (database versions not stated): gnomAD 0.00001; gnomAD exomes 0.00001 and 0.00006; TOPMed 0.00001; ExAC 0.00004.
gnomAD v4.1: 23 of 1,613,464 alleles (0.0014%); highest among the groups gnomAD compares: East Asian, 0.042%; no homozygotes.

Submission:

Labcorp Genetics (formerly Invitae), Labcorp
Classification: Uncertain significance. Last evaluated: 2025-12-19. Review status: criteria provided, single submitter. Criteria: Invitae Variant Classification Sherloc (09022015). Collection method: clinical testing. Allele origin: germline.
Comment: This sequence change creates a premature translational stop signal (p.Gln708*) in the MCM4 gene. It is expected to result in an absent or disrupted protein product. However, the current clinical and genetic evidence is not sufficient to establish whether loss-of-function variants in MCM4 cause disease. This variant is present in population databases (rs756593226, gnomAD 0.08%). This variant has not been reported in the literature in individuals affected with MCM4-related conditions. ClinVar contains an entry for this variant (Variation ID: 1430882). In summary, the available evidence is currently insufficient to determine the role of this variant in disease. Therefore, it has been classified as a Variant of Uncertain Significance.